The following is an entry in ClinVar:

ClinVar aggregate classification (germline): Likely benign. Review status: criteria provided, single submitter (1 of 4 stars). 2 submissions from 2 submitters: Likely benign (1). 1 of the submissions does not count toward it. Last evaluated 2026-01-12.

Conditions:
FARSB-related disorder. Also called: FARSB-related condition.

Allele frequency attached by ClinVar (database versions not stated): gnomAD exomes 0.00004 and 0.00012; ExAC 0.00014; ESP Exome Variant Server 0.00038; 1000 Genomes Project 0.00040; 1000 Genomes Project 30x 0.00047; TOPMed 0.00052; gnomAD 0.00053 and 0.00057.
gnomAD v4.1: 144 of 1,611,028 alleles (0.0089%); highest among the groups gnomAD compares: African/African-American, 0.17%; no homozygotes.

Submissions (2):

Labcorp Genetics (formerly Invitae), Labcorp
Classification: Likely benign. Last evaluated: 2026-01-12. Review status: criteria provided, single submitter. Criteria: Invitae Variant Classification Sherloc (09022015). Collection method: clinical testing. Allele origin: germline.

PreventionGenetics, part of Exact Sciences
Classification: Likely benign for FARSB-related condition. Last evaluated: 2019-06-25. Review status: no assertion criteria provided. Collection method: clinical testing. Allele origin: germline. Not counted in ClinVar's aggregate classification.
Comment: This variant is classified as likely benign based on ACMG/AMP sequence variant interpretation guidelines (Richards et al. 2015 PMID: 25741868, with internal and published modifications).

NM_005687.5(FARSB):c.978T>C (p.Asn326=)

Gene: FARSB (phenylalanyl-tRNA synthetase subunit beta; minus strand). Cytogenetic location: 2q36.1.
Variant type: single nucleotide variant.
Coding change: c.978T>C on transcript NM_005687.5 (MANE Select); coding-DNA position 978, T replaced by C.
Protein change: p.Asn326=; no amino-acid change (asparagine 326 retained).
Molecular consequence: synonymous variant. On other transcripts: non-coding transcript variant (1).
Genome position (GRCh38, 1-based): chr2:222,624,464, A>G on the plus strand (T>C on the coding strand, the complement: FARSB is on the minus strand). VCF-style: chr2-222624464-A-G. GRCh37 (hg19) VCF-style: chr2-223489183-A-G.
Other names: c.978T>C (NM_005687.4).
Identifiers: ClinVar variation 1661567 (VCV001661567.10), dbSNP rs138310437, ClinGen allele CA2136470.